The following is an entry in ClinVar:

ClinVar aggregate classification (germline): Uncertain significance. Review status: criteria provided, multiple submitters, no conflicts (2 of 4 stars). 2 submissions from 2 submitters: Uncertain significance (2). Last evaluated 2023-11-15.

Conditions:
Fanconi anemia complementation group O. Also called: RAD51C-Related Fanconi Anemia. Identifiers: Orphanet 84, MedGen C3150653, MONDO:0013248, OMIM 613390.
Breast-ovarian cancer, familial, susceptibility to, 3. Also called: RAD51C-Related Breast/Ovarian Cancer. Identifiers: Orphanet 145, MedGen C3150659, MONDO:0013253, OMIM 613399.

Submissions (2):

Baylor Genetics
Classification: Uncertain significance for Breast-ovarian cancer, familial, susceptibility to, 3. Last evaluated: 2023-11-15. Review status: criteria provided, single submitter. Criteria: ACMG Guidelines, 2015. Collection method: clinical testing. Allele origin: unknown.

Labcorp Genetics (formerly Invitae), Labcorp
Classification: Uncertain significance for Fanconi anemia complementation group O. Last evaluated: 2021-10-18. Review status: criteria provided, single submitter. Criteria: Invitae Variant Classification Sherloc (09022015). Collection method: clinical testing. Allele origin: germline.
Comment: In summary, the available evidence is currently insufficient to determine the role of this variant in disease. Therefore, it has been classified as a Variant of Uncertain Significance. Algorithms developed to predict the effect of missense changes on protein structure and function (SIFT, PolyPhen-2, Align-GVGD) all suggest that this variant is likely to be disruptive, but these predictions have not been confirmed by published functional studies and their clinical significance is uncertain. This variant has not been reported in the literature in individuals with RAD51C-related conditions. This variant is not present in population databases (ExAC no frequency). This sequence change replaces asparagine with lysine at codon 284 of the RAD51C protein (p.Asn284Lys). The asparagine residue is highly conserved and there is a moderate physicochemical difference between asparagine and lysine.

NM_058216.3(RAD51C):c.852T>G (p.Asn284Lys)

Gene: RAD51C (RAD51 paralog C; plus strand). Cytogenetic location: 17q22.
Variant type: single nucleotide variant.
Coding change: c.852T>G on transcript NM_058216.3 (MANE Select); coding-DNA position 852, T replaced by G.
Protein change: p.Asn284Lys; replaces asparagine 284 with lysine.
Molecular consequence: missense variant. On other transcripts: non-coding transcript variant (1).
Genome position (GRCh38, 1-based): chr17:58,720,760, T>G. VCF-style: chr17-58720760-T-G. GRCh37 (hg19) VCF-style: chr17-56798121-T-G.
Other names: short protein forms N284K.
Identifiers: ClinVar variation 1398143 (VCV001398143.7), dbSNP rs2143930037, ClinGen allele CA400359398.